The following is an entry in ClinVar:

NM_000222.3(KIT):c.572A>G (p.Glu191Gly)

Gene: KIT (KIT proto-oncogene, receptor tyrosine kinase; plus strand). Cytogenetic location: 4q12.
Variant type: single nucleotide variant.
Coding change: c.572A>G on transcript NM_000222.3 (MANE Select); coding-DNA position 572, A replaced by G.
Protein change: p.Glu191Gly; replaces glutamic acid 191 with glycine.
Molecular consequence: missense variant.
Genome position (GRCh38, 1-based): chr4:54,698,518, A>G. VCF-style: chr4-54698518-A-G. GRCh37 (hg19) VCF-style: chr4-55564684-A-G.
Other names: c.572A>G, p.Glu191Gly (NM_001093772.2, NM_001385284.1, NM_001385285.1 and 4 more transcripts); short protein forms E191G.
Identifiers: ClinVar variation 2697440 (VCV002697440.3), dbSNP rs2109674471, ClinGen allele CA356897992.
Genomic context (GRCh38, chr4:54,698,518, plus strand): 5'-TGATCAAAAGTGTGAAACGCGCCTACCATCGGCTCTGTCTGCATTGTTCTGTGGACCAGG[A>G]GGGCAAGTCAGTGCTGTCGGAAAAATTCATCCTGAAAGTGAGGCCAGGTACTGGCTCTTT-3'
Protein context (NP_000213.1, residues 181-201): RLCLHCSVDQ[Glu191Gly]GKSVLSEKFI

ClinVar aggregate classification (germline): Uncertain significance (1 of 4 stars; one submission).

Conditions:
Gastrointestinal stromal tumor. Also called: Gastrointestinal stromal tumor, somatic; Gastrointestinal stroma tumor. Identifiers: Orphanet 44890, MedGen C0238198, MeSH D046152, MONDO:0011719, OMIM 606764, HP:0100723.

Submission:

Labcorp Genetics (formerly Invitae), Labcorp
Classification: Uncertain significance for Gastrointestinal stromal tumor. Last evaluated: 2023-09-30. Review status: criteria provided, single submitter. Criteria: Invitae Variant Classification Sherloc (09022015). Collection method: clinical testing. Allele origin: germline.
Comment: This sequence change replaces glutamic acid, which is acidic and polar, with glycine, which is neutral and non-polar, at codon 191 of the KIT protein (p.Glu191Gly). This variant is not present in population databases (gnomAD no frequency). This variant has not been reported in the literature in individuals affected with KIT-related conditions. Algorithms developed to predict the effect of missense changes on protein structure and function output the following: SIFT: "Not Available"; PolyPhen-2: "Benign"; Align-GVGD: "Not Available". The glycine amino acid residue is found in multiple mammalian species, which suggests that this missense change does not adversely affect protein function. In summary, the available evidence is currently insufficient to determine the role of this variant in disease. Therefore, it has been classified as a Variant of Uncertain Significance.